The following is an entry in ClinVar:

ClinVar aggregate classification (germline): Benign. Review status: criteria provided, multiple submitters, no conflicts (2 of 4 stars). 7 submissions from 7 submitters: Benign (7). Last evaluated 2026-02-03.

Conditions:
Metaphyseal anadysplasia 2 (MANDP2). Also called: Metaphyseal anadysplasia 2, autosomal recessive. Identifiers: Orphanet 1040, MedGen C2751322, MONDO:0013113, OMIM 613073.

Allele frequency attached by ClinVar (database versions not stated): ESP Exome Variant Server 0.13142; TOPMed 0.14862; gnomAD 0.15237 and 0.15689; gnomAD exomes 0.15247 and 0.15867; 1000 Genomes Project 30x 0.18410; 1000 Genomes Project 0.19089; ExAC 0.21582.

Submissions (7):

Labcorp Genetics (formerly Invitae), Labcorp
Classification: Benign. Last evaluated: 2026-02-03. Review status: criteria provided, single submitter. Criteria: Invitae Variant Classification Sherloc (09022015). Collection method: clinical testing. Allele origin: germline.

Blueprint Genetics
Classification: Benign. Last evaluated: 2024-11-28. Review status: criteria provided, single submitter. Criteria: ACMG Guidelines, 2015. Collection method: clinical testing. Allele origin: germline.

Genome-Nilou Lab
Classification: Benign for Metaphyseal anadysplasia 2. Last evaluated: 2021-09-05. Review status: criteria provided, single submitter. Criteria: ACMG Guidelines, 2015. Collection method: clinical testing. Allele origin: germline. Affected: no.

GeneDx
Classification: Benign. Last evaluated: 2018-11-12. Review status: criteria provided, single submitter. Criteria: GeneDx Variant Classification Process June 2021. Collection method: clinical testing. Allele origin: germline. Affected: yes.
Comment: This variant is associated with the following publications: (PMID: 25639450, 16631427, 19064570, 22142952, 23128247)

Eurofins Ntd Llc (ga)
Classification: Benign. Last evaluated: 2017-08-10. Review status: criteria provided, single submitter. Criteria: EGL Classification Definitions 2015. Collection method: clinical testing. Allele origin: germline. Observed: 1 variant allele, 1 heterozygote.

Illumina Laboratory Services, Illumina
Classification: Benign for Metaphyseal anadysplasia 2. Last evaluated: 2017-04-27. Review status: criteria provided, single submitter. Criteria: ICSL Variant Classification Criteria 13 December 2019. Collection method: clinical testing. Allele origin: germline.
Comment: This variant was observed as part of a predisposition screen in an ostensibly healthy population. A literature search was performed for the gene, cDNA change, and amino acid change (where applicable). No publications were found based on this search. Allele frequency data from public databases was too high to be consistent with this variant causing disease. Therefore, this variant is classified as benign.

Breakthrough Genomics
Classification: Benign. Review status: criteria provided, single submitter. Criteria: ACMG Guidelines, 2015. Collection method: not provided. Allele origin: germline. Inheritance: Autosomal recessive inheritance. Affected: yes.

NM_004994.3(MMP9):c.2003G>A (p.Arg668Gln)

Genes: MMP9 (matrix metallopeptidase 9; plus strand), SLC12A5-AS1 (SLC12A5 and MMP9 antisense RNA 1; minus strand). Cytogenetic location: 20q13.12.
Variant type: single nucleotide variant.
Coding change: c.2003G>A on transcript NM_004994.3 (MANE Select); coding-DNA position 2003, G replaced by A.
Protein change: p.Arg668Gln; replaces arginine 668 with glutamine.
Molecular consequence: missense variant. On other transcripts: non-coding transcript variant (1).
Genome position (GRCh38, 1-based): chr20:46,014,472, G>A. VCF-style: chr20-46014472-G-A. GRCh37 (hg19) VCF-style: chr20-44643111-G-A.
Other names: short protein forms R668Q.
Identifiers: ClinVar variation 338559 (VCV000338559.24), dbSNP rs17577, ClinGen allele CA9886861.